The following is an entry in ClinVar:

ClinVar aggregate classification (germline): Likely pathogenic (1 of 4 stars; one submission).

Submission:

Labcorp Genetics (formerly Invitae), Labcorp
Classification: Likely pathogenic. Last evaluated: 2023-08-30. Review status: criteria provided, single submitter. Criteria: Invitae Variant Classification Sherloc (09022015). Collection method: clinical testing. Allele origin: unknown.
Comment: In summary, the currently available evidence indicates that the variant is pathogenic, but additional data are needed to prove that conclusively. Therefore, this variant has been classified as Likely Pathogenic. A similar copy number variant has been observed in individuals with clinical features of xeroderma pigmentosum (PMID: 10766188, 26884178, 32843428; Invitae). This variant is a gross deletion of the genomic region encompassing exon(s) 14-15 of the XPC gene. While this deletion is not anticipated to lead to nonsense mediated decay, it is expected to disrupt the C-terminus of the protein.

Literature cited by the submitters: PubMed 10766188; PubMed 26884178; PubMed 32843428.

NC_000003.11:g.(?_14188770)_(14189521_?)del

Gene: XPC (XPC complex subunit, DNA damage recognition and repair factor; minus strand). Cytogenetic location: 3p25.1.
Variant type: Deletion.
Identifiers: ClinVar variation 3246997 (VCV003246997.1).